The following is an entry in ClinVar:

ClinVar aggregate classification (germline): Uncertain significance (1 of 4 stars; one submission).

Conditions:
Charcot-Marie-Tooth disease axonal type 2Z. Also called: CHARCOT-MARIE-TOOTH DISEASE, AXONAL, AUTOSOMAL DOMINANT, TYPE 2Z; CHARCOT-MARIE-TOOTH NEUROPATHY, TYPE 2Z. Identifiers: Orphanet 466768, MedGen C5569025, MONDO:0014736, OMIM 616688.

Submission:

Labcorp Genetics (formerly Invitae), Labcorp
Classification: Uncertain significance for Charcot-Marie-Tooth disease axonal type 2Z. Last evaluated: 2019-04-18. Review status: criteria provided, single submitter. Criteria: Invitae Variant Classification Sherloc (09022015). Collection method: clinical testing. Allele origin: germline.
Comment: This sequence change replaces lysine with asparagine at codon 932 of the MORC2 protein (p.Lys932Asn). The lysine residue is moderately conserved and there is a moderate physicochemical difference between lysine and asparagine. This variant is not present in population databases (ExAC no frequency). This variant has not been reported in the literature in individuals with MORC2-related conditions. Algorithms developed to predict the effect of missense changes on protein structure and function (SIFT, PolyPhen-2, Align-GVGD) all suggest that this variant is likely to be tolerated, but these predictions have not been confirmed by published functional studies and their clinical significance is uncertain. In summary, the available evidence is currently insufficient to determine the role of this variant in disease. Therefore, it has been classified as a Variant of Uncertain Significance.

NM_001303256.3(MORC2):c.2796G>T (p.Lys932Asn)

Gene: MORC2 (MORC family CW-type zinc finger 2; minus strand). Cytogenetic location: 22q12.2.
Variant type: single nucleotide variant.
Coding change: c.2796G>T on transcript NM_001303256.3 (MANE Select); coding-DNA position 2796, G replaced by T.
Protein change: p.Lys932Asn; replaces lysine 932 with asparagine.
Molecular consequence: missense variant.
Genome position (GRCh38, 1-based): chr22:30,932,404, C>A on the plus strand (G>T on the coding strand, the complement: MORC2 is on the minus strand). VCF-style: chr22-30932404-C-A. GRCh37 (hg19) VCF-style: chr22-31328391-C-A.
Other names: c.2796G>T, p.Lys932Asn (NM_001303257.2); c.2610G>T, p.Lys870Asn (NM_014941.3); short protein forms K932N, K870N.
Identifiers: ClinVar variation 950945 (VCV000950945.8), dbSNP rs1413895387, ClinGen allele CA411231402.